The following is an entry in ClinVar:

ClinVar aggregate classification (germline): Uncertain significance (1 of 4 stars; one submission).

Submission:

Labcorp Genetics (formerly Invitae), Labcorp
Classification: Uncertain significance. Last evaluated: 2022-03-05. Review status: criteria provided, single submitter. Criteria: Invitae Variant Classification Sherloc (09022015). Collection method: clinical testing. Allele origin: germline.
Comment: This sequence change replaces tyrosine, which is neutral and polar, with cysteine, which is neutral and slightly polar, at codon 159 of the ADAMTSL4 protein (p.Tyr159Cys). This variant is not present in population databases (gnomAD no frequency). This variant has not been reported in the literature in individuals affected with ADAMTSL4-related conditions. Algorithms developed to predict the effect of missense changes on protein structure and function are either unavailable or do not agree on the potential impact of this missense change (SIFT: "Deleterious"; PolyPhen-2: "Probably Damaging"; Align-GVGD: "Class C0"). In summary, the available evidence is currently insufficient to determine the role of this variant in disease. Therefore, it has been classified as a Variant of Uncertain Significance.

NM_019032.6(ADAMTSL4):c.476A>G (p.Tyr159Cys)

Genes: ADAMTSL4 (ADAMTS like 4; plus strand), ADAMTSL4-AS2 (ADAMTSL4 antisense RNA 2; minus strand). Cytogenetic location: 1q21.2.
Variant type: single nucleotide variant.
Coding change: c.476A>G on transcript NM_019032.6 (MANE Select); coding-DNA position 476, A replaced by G.
Protein change: p.Tyr159Cys; replaces tyrosine 159 with cysteine.
Molecular consequence: missense variant.
Genome position (GRCh38, 1-based): chr1:150,553,467, A>G. VCF-style: chr1-150553467-A-G. GRCh37 (hg19) VCF-style: chr1-150525943-A-G.
Other names: c.476A>G, p.Tyr159Cys (NM_001288607.2, NM_001288608.2, NM_001378596.1 and 1 more transcripts); short protein forms Y159C.
Identifiers: ClinVar variation 2106284 (VCV002106284.4), dbSNP rs769815738, ClinGen allele CA342300967.